The following is an entry in ClinVar:

ClinVar aggregate classification (germline): Pathogenic/Likely pathogenic. Review status: criteria provided, multiple submitters, no conflicts (2 of 4 stars). 3 submissions from 3 submitters: Pathogenic (2); Likely pathogenic (1). Last evaluated 2025-12-19.

Conditions:
Congenital isolated adrenocorticotropic hormone deficiency. Also called: ACTH DEFICIENCY, ISOLATED; ACTH deficiency; Adrenocorticotropic hormone deficiency. Identifiers: Orphanet 199296, MedGen C0342388, MONDO:0008720, OMIM 201400, HP:0011748.

Submissions (3):

Labcorp Genetics (formerly Invitae), Labcorp
Classification: Pathogenic. Last evaluated: 2025-12-19. Review status: criteria provided, single submitter. Criteria: Invitae Variant Classification Sherloc (09022015). Collection method: clinical testing. Allele origin: germline.
Comment: This sequence change creates a premature translational stop signal (p.Arg53Ilefs*6) in the TBX19 gene. It is expected to result in an absent or disrupted protein product. Loss-of-function variants in TBX19 are known to be pathogenic (PMID: 22170728). This variant is present in population databases (rs763818059, gnomAD 0.003%). This premature translational stop signal has been observed in individual(s) with clinical features of TBX19-related conditions (PMID: 27535729). Algorithms developed to predict the effect of sequence changes on RNA splicing suggest that this variant may disrupt the consensus splice site. For these reasons, this variant has been classified as Pathogenic.

Fulgent Genetics
Classification: Likely pathogenic for Congenital isolated adrenocorticotropic hormone deficiency. Last evaluated: 2024-06-12. Review status: criteria provided, single submitter. Criteria: ACMG Guidelines, 2015. Collection method: clinical testing. Allele origin: germline.

Clinical Molecular Genetics Laboratory, Johns Hopkins All Children's Hospital
Classification: Pathogenic for Congenital isolated adrenocorticotropic hormone deficiency. Last evaluated: 2018-06-19. Review status: criteria provided, single submitter. Criteria: ACMG Guidelines, 2015. Collection method: clinical testing. Allele origin: germline. Affected: yes.

Literature cited by the submitters: PubMed 22170728 (cited by Labcorp Genetics (formerly Invitae), Labcorp); PubMed 27535729 (cited by Labcorp Genetics (formerly Invitae), Labcorp).

NM_005149.3(TBX19):c.158_159del (p.Arg53fs)

Gene: TBX19 (T-box transcription factor 19; plus strand). Cytogenetic location: 1q24.2.
Variant type: Microsatellite.
Coding change: c.158_159del on transcript NM_005149.3 (MANE Select); coding-DNA positions 158 to 159, 2 bases deleted (GA; older notation c.158_159delGA).
Protein change: p.Arg53fs; shifts the reading frame from arginine 53.
Molecular consequence: frameshift variant.
Genome position (GRCh38, 1-based): chr1:168,281,248-168,281,249, GA deleted; deleting any 2 consecutive bases within chr1:168,281,245-168,281,249 gives the same sequence; the c. name uses the placement nearest the transcript's 3' end. VCF-style (leftmost placement, unchanged base first): chr1-168281244-CAG-C. GRCh37 (hg19) VCF-style: chr1-168250482-CAG-C.
Other names: short protein forms R53fs.
Identifiers: ClinVar variation 560672 (VCV000560672.4), dbSNP rs763818059, ClinGen allele CA1230408.